The following is an entry in ClinVar:

NM_000202.8(IDS):c.284G>C (p.Arg95Thr)

Gene: IDS (iduronate 2-sulfatase; minus strand). Cytogenetic location: Xq28.
Variant type: single nucleotide variant.
Coding change: c.284G>C on transcript NM_000202.8 (MANE Select); coding-DNA position 284, G replaced by C.
Protein change: p.Arg95Thr; replaces arginine 95 with threonine.
Molecular consequence: missense variant. On other transcripts: non-coding transcript variant (1), splice acceptor variant (1).
Genome position (GRCh38, 1-based): chrX:149,503,446, C>G on the plus strand (G>C on the coding strand, the complement: IDS is on the minus strand). VCF-style: chrX-149503446-C-G. GRCh37 (hg19) VCF-style: chrX-148584976-C-G.
Other names: c.284G>C, p.Arg95Thr (NM_006123.5); c.15-1G>C (NM_001166550.4); short protein forms R95T.
Identifiers: ClinVar variation 3255653 (VCV003255653.2).

ClinVar aggregate classification (germline): Pathogenic (1 of 4 stars; one submission).

Conditions:
Mucopolysaccharidosis, MPS-II (MPS2). Also called: Hunter Syndrome; IDURONATE 2-SULFATASE DEFICIENCY; Mucopolysaccharidosis Type II; Mucopolysaccharidosis type 2; Attenuated MPS (subtype; formerly known as mild MPS II); Severe MPS II. Identifiers: Orphanet 580, Orphanet 79388, MedGen C0026705, MONDO:0010674, OMIM 309900.

Submission:

Laboratory of Diagnosis and Therapy of Lysosomal Disorders, University of Padova
Classification: Pathogenic for Mucopolysaccharidosis, MPS-II. Last evaluated: 2024-06-07. Review status: criteria provided, single submitter. Criteria: ACMG Guidelines, 2015. Collection method: literature only. Allele origin: germline. Affected: yes. Observed: 1 variant allele.
Comment: Absent from controls (or at low frequency) in gnomAD database (PM2_Moderate), Missense change at the same amino acid residue as a pathogenic variant (PM5_Moderate), Missense variant in a gene with a low rate of benign missense variation (PP2_Supporting), Multiple lines of computational evidence support a deleterious effect (PP3_Supporting), Patient’s phenotype or family history highly specific for the disease (PP4_Strong)

Classification method: ACMG Guidelines [PMID:25741868] with modifications

Literature cited by the submitters: PubMed 11683780.